The following is an entry in ClinVar:

ClinVar aggregate classification (germline): Uncertain significance. Review status: criteria provided, multiple submitters, no conflicts (2 of 4 stars). 3 submissions from 3 submitters: Uncertain significance (3). Last evaluated 2026-03-24.

Conditions:
Inborn genetic diseases. Identifiers: MedGen C0950123, MeSH D030342.
APC2-related disorder. Also called: APC2-related condition; APC2-Related Disorders.

gnomAD v4.1: 248 of 1,314,648 alleles (0.019%); highest among the groups gnomAD compares: Non-Finnish European, 0.023%; 1 homozygote.

Submissions (3):

GeneDx
Classification: Uncertain significance. Last evaluated: 2026-03-24. Review status: criteria provided, single submitter. Criteria: GeneDx Variant Classification Process June 2021. Collection method: clinical testing. Allele origin: germline.
Comment: Not observed at significant frequency in large population cohorts (gnomAD); In silico analysis suggests that this missense variant does not alter protein structure/function; Has not been previously published as pathogenic or benign to our knowledge

PreventionGenetics, part of Exact Sciences
Classification: Uncertain significance for APC2-related condition. Last evaluated: 2025-12-09. Review status: criteria provided, single submitter. Criteria: ACMG Guidelines, 2015. Collection method: clinical testing. Allele origin: germline.
Comment: The APC2 c.3949G>A variant is predicted to result in the amino acid substitution p.Gly1317Arg. To our knowledge, this variant has not been reported in the literature. This variant is reported in 0.0065% of alleles in individuals of European (Non-Finnish) descent in gnomAD. At this time, the clinical significance of this variant is uncertain due to the absence of conclusive functional and genetic evidence.

Ambry Genetics
Classification: Uncertain significance for Inborn genetic diseases. Last evaluated: 2025-05-28. Review status: criteria provided, single submitter. Criteria: Ambry Variant Classification Scheme 2023. Collection method: clinical testing. Allele origin: germline.

NM_005883.3(APC2):c.3949G>A (p.Gly1317Arg)

Gene: APC2 (APC regulator of Wnt signaling pathway 2; plus strand). Cytogenetic location: 19p13.3.
Variant type: single nucleotide variant.
Coding change: c.3949G>A on transcript NM_005883.3 (MANE Select); coding-DNA position 3949, G replaced by A.
Protein change: p.Gly1317Arg; replaces glycine 1317 with arginine.
Molecular consequence: missense variant.
Genome position (GRCh38, 1-based): chr19:1,467,250, G>A. VCF-style: chr19-1467250-G-A. GRCh37 (hg19) VCF-style: chr19-1467249-G-A.
Other names: c.3946G>A, p.Gly1316Arg (NM_001351273.1); short protein forms G1316R, G1317R.
Identifiers: ClinVar variation 3930215 (VCV003930215.3).